The following is an entry in ClinVar:

NM_001018116.2(CAVIN4):c.392G>A (p.Arg131His)

Gene: CAVIN4 (caveolae associated protein 4; plus strand). Cytogenetic location: 9q31.1.
Variant type: single nucleotide variant.
Coding change: c.392G>A on transcript NM_001018116.2 (MANE Select); coding-DNA position 392, G replaced by A.
Protein change: p.Arg131His; replaces arginine 131 with histidine.
Molecular consequence: missense variant.
Genome position (GRCh38, 1-based): chr9:100,578,535, G>A. VCF-style: chr9-100578535-G-A. GRCh37 (hg19) VCF-style: chr9-103340817-G-A.
Other names: short protein forms R131H.
Identifiers: ClinVar variation 226738 (VCV000226738.5), dbSNP rs137921742, ClinGen allele CA5160044.

ClinVar aggregate classification (germline): Benign. Review status: criteria provided, multiple submitters, no conflicts (2 of 4 stars). 3 submissions from 3 submitters: Benign (3). Last evaluated 2016-10-14.

Allele frequency attached by ClinVar (database versions not stated): gnomAD 0.00815 and 0.00814; 1000 Genomes Project 0.00978; ESP Exome Variant Server 0.00085; 1000 Genomes Project 30x 0.01109; TOPMed 0.01265.
gnomAD v4.1: 5,852 of 1,613,196 alleles (0.36%); highest among the groups gnomAD compares: Admixed American, 9.1%; 320 homozygotes.

Submissions (3):

GeneDx
Classification: Benign. Last evaluated: 2016-10-14. Review status: criteria provided, single submitter. Criteria: GeneDx Variant Classification (06012015). Collection method: clinical testing. Allele origin: germline. Affected: yes.
Comment: This variant is considered likely benign or benign based on one or more of the following criteria: it is a conservative change, it occurs at a poorly conserved position in the protein, it is predicted to be benign by multiple in silico algorithms, and/or has population frequency not consistent with disease.

Laboratory for Molecular Medicine, Mass General Brigham Personalized Medicine
Classification: Benign. Last evaluated: 2014-11-24. Review status: criteria provided, single submitter. Criteria: LMM Criteria. Collection method: clinical testing. Allele origin: germline. Observed: 3 variant alleles.
Comment: Arg131His in exon 1 of MURC: This variant is not expected to have clinical signi ficance because it has been identified in 9.8% (13/132) of Mexican chromosomes f rom a broad population by the 1000 Genomes Project (projects/SNP; dbSNP rs137921742).

Breakthrough Genomics
Classification: Benign. Review status: criteria provided, single submitter. Criteria: ACMG Guidelines, 2015. Collection method: not provided. Allele origin: germline. Inheritance: Unknown mechanism. Affected: yes.